The following is an entry in ClinVar:

NM_016042.4(EXOSC3):c.673T>C (p.Tyr225His)

Gene: EXOSC3 (exosome component 3; minus strand). Cytogenetic location: 9p13.2.
Variant type: single nucleotide variant.
Coding change: c.673T>C on transcript NM_016042.4 (MANE Select); coding-DNA position 673, T replaced by C.
Protein change: p.Tyr225His; replaces tyrosine 225 with histidine.
Molecular consequence: missense variant. On other transcripts: 3 prime UTR variant (1).
Genome position (GRCh38, 1-based): chr9:37,780,834, A>G on the plus strand (T>C on the coding strand, the complement: EXOSC3 is on the minus strand). VCF-style: chr9-37780834-A-G. GRCh37 (hg19) VCF-style: chr9-37780831-A-G.
Other names: c.*26T>C (NM_001002269.2); short protein forms Y225H.
Identifiers: ClinVar variation 129026 (VCV000129026.21), dbSNP rs3208406, ClinGen allele CA152804.

ClinVar aggregate classification (germline): Benign. Review status: criteria provided, multiple submitters, no conflicts (2 of 4 stars). 8 submissions from 8 submitters: Benign (7). 1 of the submissions does not count toward it. Last evaluated 2026-02-04.

Conditions:
Pontocerebellar hypoplasia type 1B. Also called: EXOSC3 Pontocerebellar Hypoplasia. Identifiers: Orphanet 2254, MedGen C3553449, MONDO:0013853, OMIM 614678.

Allele frequency attached by ClinVar (database versions not stated): 1000 Genomes Project 0.03574; TOPMed 0.05802; gnomAD 0.06303 and 0.06407; gnomAD exomes 0.06654 and 0.08393; ExAC 0.06685; ESP Exome Variant Server 0.07204.

Submissions (8):

Labcorp Genetics (formerly Invitae), Labcorp
Classification: Benign for Pontocerebellar hypoplasia type 1B. Last evaluated: 2026-02-04. Review status: criteria provided, single submitter. Criteria: Invitae Variant Classification Sherloc (09022015). Collection method: clinical testing. Allele origin: germline.

Blueprint Genetics
Classification: Benign. Last evaluated: 2024-11-27. Review status: criteria provided, single submitter. Criteria: ACMG Guidelines, 2015. Collection method: clinical testing. Allele origin: germline.

Mayo Clinic Laboratories, Mayo Clinic
Classification: Benign. Last evaluated: 2022-03-23. Review status: criteria provided, single submitter. Criteria: ACMG Guidelines, 2015. Collection method: clinical testing. Allele origin: germline. Observed: 52 variant alleles.

Illumina Laboratory Services, Illumina
Classification: Benign for Pontocerebellar hypoplasia type 1B. Last evaluated: 2018-01-12. Review status: criteria provided, single submitter. Criteria: ICSL Variant Classification Criteria 13 December 2019. Collection method: clinical testing. Allele origin: germline.
Comment: This variant was observed in the ICSL laboratory as part of a predisposition screen in an ostensibly healthy population. It had not been previously curated by ICSL or reported in the Human Gene Mutation Database (HGMD: prior to June 1st, 2018), and was therefore a candidate for classification through an automated scoring system. Utilizing variant allele frequency, disease prevalence and penetrance estimates, and inheritance mode, an automated score was calculated to assess if this variant is too frequent to cause the disease. Based on the score and internal cut-off values, a variant classified as benign is not then subjected to further curation. The score for this variant resulted in a classification of benign for this disease.

GeneDx
Classification: Benign. Last evaluated: 2016-02-19. Review status: criteria provided, single submitter. Criteria: GeneDx Variant Classification (06012015). Collection method: clinical testing. Allele origin: germline. Affected: yes.
Comment: This variant is considered likely benign or benign based on one or more of the following criteria: it is a conservative change, it occurs at a poorly conserved position in the protein, it is predicted to be benign by multiple in silico algorithms, and/or has population frequency not consistent with disease.

Breakthrough Genomics
Classification: Benign. Review status: criteria provided, single submitter. Criteria: ACMG Guidelines, 2015. Collection method: not provided. Allele origin: germline. Inheritance: Autosomal recessive inheritance. Affected: yes.

PreventionGenetics, part of Exact Sciences
Classification: Benign. Review status: criteria provided, single submitter. Criteria: ACMG Guidelines, 2015. Collection method: clinical testing. Allele origin: germline.

Genetic Services Laboratory, University of Chicago
Classification: Likely benign for AllHighlyPenetrant. Review status: no assertion criteria provided. Collection method: clinical testing. Allele origin: germline. Inheritance: Autosomal recessive inheritance. Not counted in ClinVar's aggregate classification.
Comment: Likely benign based on allele frequency in 1000 Genomes Project or ESP global frequency and its presence in a patient with a rare or unrelated disease phenotype. NOT Sanger confirmed.